The following is an entry in ClinVar:

ClinVar aggregate classification (germline): Uncertain significance. Review status: criteria provided, multiple submitters, no conflicts (2 of 4 stars). 2 submissions from 2 submitters: Uncertain significance (2). Last evaluated 2025-10-02.

Conditions:
Inborn genetic diseases. Identifiers: MedGen C0950123, MeSH D030342.
Joubert syndrome. Also called: JOUBERT-BOLTSHAUSER SYNDROME; Familial aplasia of the vermis. Identifiers: Orphanet 475, MedGen C5979921, MONDO:0018772.
Meckel-Gruber syndrome. Also called: DYSENCEPHALIA SPLANCHNOCYSTICA; GRUBER SYNDROME; Dysencephalia splachnocystica. Identifiers: Orphanet 564, MedGen C0265215, MONDO:0018921.

gnomAD v4.1: 2 of 1,613,778 alleles (0.00012%); highest among the groups gnomAD compares: Non-Finnish European, 0.00017%; no homozygotes.

Submissions (2):

Ambry Genetics
Classification: Uncertain significance for Inborn genetic diseases. Last evaluated: 2025-10-02. Review status: criteria provided, single submitter. Criteria: Ambry Variant Classification Scheme 2023. Collection method: clinical testing. Allele origin: germline.

Labcorp Genetics (formerly Invitae), Labcorp
Classification: Uncertain significance for Joubert syndrome; Meckel-Gruber syndrome. Last evaluated: 2022-05-20. Review status: criteria provided, single submitter. Criteria: Invitae Variant Classification Sherloc (09022015). Collection method: clinical testing. Allele origin: germline.
Comment: This sequence change replaces glutamine, which is neutral and polar, with histidine, which is basic and polar, at codon 161 of the CC2D2A protein (p.Gln161His). This variant is not present in population databases (gnomAD no frequency). This variant has not been reported in the literature in individuals affected with CC2D2A-related conditions. Advanced modeling of protein sequence and biophysical properties (such as structural, functional, and spatial information, amino acid conservation, physicochemical variation, residue mobility, and thermodynamic stability) performed at Invitae indicates that this missense variant is not expected to disrupt CC2D2A protein function. In summary, the available evidence is currently insufficient to determine the role of this variant in disease. Therefore, it has been classified as a Variant of Uncertain Significance.

NM_001378615.1(CC2D2A):c.483A>C (p.Gln161His)

Genes: CC2D2A (coiled-coil and C2 domain containing 2A; plus strand), FBXL5 (F-box and leucine rich repeat protein 5; minus strand). Cytogenetic location: 4p15.32.
Variant type: single nucleotide variant.
Coding change: c.483A>C on transcript NM_001378615.1 (MANE Select); coding-DNA position 483, A replaced by C.
Protein change: p.Gln161His; replaces glutamine 161 with histidine.
Molecular consequence: missense variant.
Genome position (GRCh38, 1-based): chr4:15,510,183, A>C. VCF-style: chr4-15510183-A-C. GRCh37 (hg19) VCF-style: chr4-15511806-A-C.
Other names: c.483A>C, p.Gln161His (NM_001080522.2); c.336A>C, p.Gln112His (NM_001378617.1); short protein forms Q112H, Q161H.
Identifiers: ClinVar variation 1996964 (VCV001996964.2), dbSNP rs1716489206, ClinGen allele CA356408572.
Genomic context (GRCh38, chr4:15,510,183, plus strand): 5'-TTTTCCACTCATATAGCCAGGGAAAGAGGTAGAAAGGACTCAACAAGAAGTTGACTCCCA[A>C]AGTTACTCAAGAGTCAAGTTCCATGATTCTGCACGAAAAATCAAGCCTAAACCCCAGGTG-3'
Protein context (NP_001365544.1, residues 151-171): VERTQQEVDS[Gln161His]SYSRVKFHDS